The following is an entry in ClinVar:

ClinVar aggregate classification (germline): Pathogenic (1 of 4 stars; one submission).

Conditions:
Hereditary cancer-predisposing syndrome. Also called: Tumor predisposition; Hereditary neoplastic syndrome; Neoplastic Syndromes, Hereditary; Hereditary Cancer Syndrome. Identifiers: Orphanet 140162, MedGen C0027672, MeSH D009386, MONDO:0015356.

Submission:

Labcorp Genetics (formerly Invitae), Labcorp
Classification: Pathogenic for Hereditary cancer-predisposing syndrome. Last evaluated: 2024-01-11. Review status: criteria provided, single submitter. Criteria: Invitae Variant Classification Sherloc (09022015). Collection method: clinical testing. Allele origin: germline.
Comment: This sequence change creates a premature translational stop signal (p.Ala1194Glnfs*16) in the RAD50 gene. It is expected to result in an absent or disrupted protein product. Loss-of-function variants in RAD50 are known to be pathogenic (PMID: 19409520). This variant is not present in population databases (gnomAD no frequency). This variant has not been reported in the literature in individuals affected with RAD50-related conditions. ClinVar contains an entry for this variant (Variation ID: 959853). For these reasons, this variant has been classified as Pathogenic.

Literature cited by the submitters: PubMed 19409520.

NM_005732.4(RAD50):c.3578_3579dup (p.Ala1194fs)

Genes: RAD50 (RAD50 double strand break repair protein; plus strand), TH2-LCR (Th2 cytokine locus control region; plus strand), TH2LCRR (T helper type 2 locus control region associated RNA; minus strand). Cytogenetic location: 5q31.1.
Variant type: Microsatellite.
Coding change: c.3578_3579dup on transcript NM_005732.4 (MANE Select); coding-DNA positions 3578 to 3579, 2 bases duplicated (CA; older notation c.3578_3579dupCA).
Protein change: p.Ala1194fs; shifts the reading frame from alanine 1194.
Molecular consequence: frameshift variant. On other transcripts: non-coding transcript variant (3).
Genome position (GRCh38, 1-based): chr5:132,638,183-132,638,184, CA duplicated; duplicating any 2 consecutive bases within chr5:132,638,180-132,638,184 gives the same sequence; the c. name uses the placement nearest the transcript's 3' end. VCF-style (leftmost placement, unchanged base first): chr5-132638179-G-GAC. GRCh37 (hg19) VCF-style: chr5-131973871-G-GAC.
Other names: short protein forms A1194fs.
Identifiers: ClinVar variation 959853 (VCV000959853.8), dbSNP rs1751633228, ClinGen allele CA1583252826.